The following is an entry in ClinVar:

ClinVar aggregate classification (germline): Uncertain significance. Review status: criteria provided, multiple submitters, no conflicts (2 of 4 stars). 3 submissions from 3 submitters: Uncertain significance (3). Last evaluated 2024-10-28.

Conditions:
Intellectual developmental disorder, autosomal recessive 61. Also called: ALWADEI SYNDROME; Intellectual disability, autosomal recessive 61; MENTAL RETARDATION, AUTOSOMAL RECESSIVE 61. Identifiers: MedGen C4540424, MONDO:0030915, OMIM 617773.

Allele frequency attached by ClinVar (database versions not stated): gnomAD exomes below 0.00001 and 0.00001; gnomAD 0.00003 and 0.00004; ExAC 0.00002; TOPMed 0.00003.
gnomAD v4.1: 7 of 1,613,850 alleles (0.00043%); highest among the groups gnomAD compares: African/African-American, 0.0093%; no homozygotes.

Submissions (3):

Labcorp Genetics (formerly Invitae), Labcorp
Classification: Uncertain significance. Last evaluated: 2024-10-28. Review status: criteria provided, single submitter. Criteria: Invitae Variant Classification Sherloc (09022015). Collection method: clinical testing. Allele origin: germline.
Comment: This sequence change replaces lysine, which is basic and polar, with arginine, which is basic and polar, at codon 1303 of the RUSC2 protein (p.Lys1303Arg). This variant is present in population databases (rs761728678, gnomAD 0.01%). This variant has not been reported in the literature in individuals affected with RUSC2-related conditions. ClinVar contains an entry for this variant (Variation ID: 1031871). An algorithm developed to predict the effect of missense changes on protein structure and function (PolyPhen-2) suggests that this variant is likely to be disruptive. In summary, the available evidence is currently insufficient to determine the role of this variant in disease. Therefore, it has been classified as a Variant of Uncertain Significance.

Ambry Genetics
Classification: Uncertain significance. Last evaluated: 2024-07-09. Review status: criteria provided, single submitter. Criteria: Ambry Variant Classification Scheme 2023. Collection method: clinical testing. Allele origin: germline.

Baylor Genetics
Classification: Uncertain significance for Intellectual developmental disorder, autosomal recessive 61. Last evaluated: 2018-07-30. Review status: criteria provided, single submitter. Criteria: ACMG Guidelines, 2015. Collection method: clinical testing. Allele origin: unknown. Affected: yes.
Comment: This variant was determined to be of uncertain significance according to ACMG Guidelines, 2015 [PMID:25741868].

NM_014806.5(RUSC2):c.3908A>G (p.Lys1303Arg)

Gene: RUSC2 (RUN and SH3 domain containing 2; plus strand). Cytogenetic location: 9p13.3.
Variant type: single nucleotide variant.
Coding change: c.3908A>G on transcript NM_014806.5 (MANE Select); coding-DNA position 3908, A replaced by G.
Protein change: p.Lys1303Arg; replaces lysine 1303 with arginine.
Molecular consequence: missense variant. On other transcripts: non-coding transcript variant (1).
Genome position (GRCh38, 1-based): chr9:35,560,548, A>G. VCF-style: chr9-35560548-A-G. GRCh37 (hg19) VCF-style: chr9-35560545-A-G.
Other names: c.3908A>G, p.Lys1303Arg (NM_001135999.2); c.1274A>G, p.Lys425Arg (NM_001330740.2); short protein forms K1303R, K425R.
Identifiers: ClinVar variation 1031871 (VCV001031871.6), dbSNP rs761728678, ClinGen allele CA5044267.
Genomic context (GRCh38, chr9:35,560,548, plus strand): 5'-ATGGCTCCATTGAGGGTTCCAGGTTCCCTCGTGGTAGCAGCAACAGCAGCAGCGAGAAAA[A>G]GAAAGGGGCAGGAGGTGGGGGACCTCCCCAGGCTCCACCACCCCGAGAGGGAGTAGTGGA-3'
Protein context (NP_055621.2, residues 1293-1313): RGSSNSSSEK[Lys1303Arg]KGAGGGGPPQ